The following is an entry in ClinVar:

ClinVar aggregate classification (germline): Uncertain significance (1 of 4 stars; one submission).

Conditions:
Inborn genetic diseases. Identifiers: MedGen C0950123, MeSH D030342.

gnomAD v4.1: 1 of 1,613,394 alleles (0.000062%); no homozygotes.

Submission:

Ambry Genetics
Classification: Uncertain significance for Inborn genetic diseases. Last evaluated: 2024-11-18. Review status: criteria provided, single submitter. Criteria: Ambry Variant Classification Scheme 2023. Collection method: clinical testing. Allele origin: germline.
Comment: The p.K1353N variant (also known as c.4059A>T), located in coding exon 1 of the SAMD9 gene, results from an A to T substitution at nucleotide position 4059. The lysine at codon 1353 is replaced by asparagine, an amino acid with similar properties. This amino acid position is conserved. In addition, this alteration is predicted to be tolerated by in silico analysis. Based on the available evidence, the clinical significance of this variant remains unclear.

NM_017654.4(SAMD9):c.4059A>T (p.Lys1353Asn)

Gene: SAMD9 (sterile alpha motif domain containing 9; minus strand). Cytogenetic location: 7q21.2.
Variant type: single nucleotide variant.
Coding change: c.4059A>T on transcript NM_017654.4 (MANE Select); coding-DNA position 4059, A replaced by T.
Protein change: p.Lys1353Asn; replaces lysine 1353 with asparagine.
Molecular consequence: missense variant.
Genome position (GRCh38, 1-based): chr7:93,102,039, T>A on the plus strand (A>T on the coding strand, the complement: SAMD9 is on the minus strand). VCF-style: chr7-93102039-T-A. GRCh37 (hg19) VCF-style: chr7-92731352-T-A.
Other names: c.4059A>T, p.Lys1353Asn (NM_001193307.2); short protein forms K1353N.
Identifiers: ClinVar variation 3437004 (VCV003437004.1).